The following is an entry in ClinVar:

NM_018979.4(WNK1):c.3883T>C (p.Ser1295Pro)

Gene: WNK1 (WNK lysine deficient protein kinase 1; plus strand). Cytogenetic location: 12p13.33.
Variant type: single nucleotide variant.
Coding change: c.3883T>C on transcript NM_018979.4 (MANE Select); coding-DNA position 3883, T replaced by C.
Protein change: p.Ser1295Pro; replaces serine 1295 with proline.
Molecular consequence: missense variant.
Genome position (GRCh38, 1-based): chr12:884,687, T>C. VCF-style: chr12-884687-T-C. GRCh37 (hg19) VCF-style: chr12-993853-T-C.
Other names: c.4663T>C, p.Ser1555Pro (NM_001184985.2); c.3142T>C, p.Ser1048Pro (NM_014823.3); c.4639T>C, p.Ser1547Pro (NM_213655.5); short protein forms S1295P, S1547P, S1048P, S1555P.
Identifiers: ClinVar variation 471185 (VCV000471185.9), dbSNP rs1555149377, ClinGen allele CA383330107.

ClinVar aggregate classification (germline): Uncertain significance (1 of 4 stars; one submission).

Conditions:
Neuropathy, hereditary sensory and autonomic, type 2A (HSAN2A). Also called: HSAN IIA; WNK1-Related HSAN2 (HSAN2A); ACROOSTEOLYSIS, GIACCAI TYPE; ACROOSTEOLYSIS, NEUROGENIC; MORVAN DISEASE; NEUROPATHY, CONGENITAL SENSORY. Identifiers: Orphanet 970, MedGen C2752089, MONDO:0024309, OMIM 201300.
Pseudohypoaldosteronism type 2C (PHA2C). Also called: Pseudohypoaldosteronism Type IIC. Identifiers: Orphanet 757, Orphanet 88940, MedGen C1840391, MONDO:0013778, OMIM 614492.

Allele frequency attached by ClinVar (database versions not stated): TOPMed below 0.00001.

Submission:

Labcorp Genetics (formerly Invitae), Labcorp
Classification: Uncertain significance for Neuropathy, hereditary sensory and autonomic, type 2A; Pseudohypoaldosteronism type 2C. Last evaluated: 2022-07-05. Review status: criteria provided, single submitter. Criteria: Invitae Variant Classification Sherloc (09022015). Collection method: clinical testing. Allele origin: germline.
Comment: This variant has not been reported in the literature in individuals affected with WNK1-related conditions. ClinVar contains an entry for this variant (Variation ID: 471185). Advanced modeling of protein sequence and biophysical properties (such as structural, functional, and spatial information, amino acid conservation, physicochemical variation, residue mobility, and thermodynamic stability) performed at Invitae indicates that this missense variant is not expected to disrupt WNK1 protein function. In summary, the available evidence is currently insufficient to determine the role of this variant in disease. Therefore, it has been classified as a Variant of Uncertain Significance. This variant is not present in population databases (gnomAD no frequency). This sequence change replaces serine, which is neutral and polar, with proline, which is neutral and non-polar, at codon 1295 of the WNK1 protein (p.Ser1295Pro).